The following is an entry in ClinVar:

ClinVar aggregate classification (germline): Likely benign. Review status: criteria provided, multiple submitters, no conflicts (2 of 4 stars). 8 submissions from 8 submitters: Likely benign (8). Last evaluated 2025-11-14.

Conditions:
Wilson disease (WND). Also called: Wilson's disease. Identifiers: Orphanet 905, MedGen C0019202, MONDO:0010200, OMIM 277900. Disease mechanism: loss of function.
Inborn genetic diseases. Identifiers: MedGen C0950123, MeSH D030342.

Allele frequency attached by ClinVar (database versions not stated): ExAC 0.00002; gnomAD exomes 0.00002 and 0.00004; gnomAD 0.00005; TOPMed 0.00005; ESP Exome Variant Server 0.00008.
gnomAD v4.1: 65 of 1,614,112 alleles (0.004%); highest among the groups gnomAD compares: Non-Finnish European, 0.0053%; no homozygotes.

Submissions (8):

Women's Health and Genetics/Laboratory Corporation of America, LabCorp
Classification: Likely benign. Last evaluated: 2025-11-14. Review status: criteria provided, single submitter. Criteria: LabCorp Variant Classification Summary - May 2015. Collection method: clinical testing. Allele origin: germline.

Labcorp Genetics (formerly Invitae), Labcorp
Classification: Likely benign for Wilson disease. Last evaluated: 2025-10-16. Review status: criteria provided, single submitter. Criteria: Invitae Variant Classification Sherloc (09022015). Collection method: clinical testing. Allele origin: germline.

Mayo Clinic Laboratories, Mayo Clinic
Classification: Likely benign. Last evaluated: 2025-03-04. Review status: criteria provided, single submitter. Criteria: ACMG Guidelines, 2015. Collection method: clinical testing. Allele origin: germline. Observed: 2 variant alleles.
Comment: BP4, BP7

Blueprint Genetics
Classification: Likely benign. Last evaluated: 2024-11-13. Review status: criteria provided, single submitter. Criteria: ACMG Guidelines, 2015. Collection method: clinical testing. Allele origin: germline.

All of Us Research Program, National Institutes of Health
Classification: Likely benign for Wilson disease. Last evaluated: 2023-12-13. Review status: criteria provided, single submitter. Criteria: ACMG Guidelines, 2015. Collection method: clinical testing. Allele origin: germline. Inheritance: Autosomal recessive inheritance. Observed: 5 variant alleles, 5 heterozygotes.
Comment: This study involves interpretation of variants in research participants for the purpose of population health screening. Participant phenotype was not available at the time of variant classification. Additional details can be found in publication PMID: 35346344, PMCID: PMC8962531

Color Diagnostics, LLC DBA Color Health
Classification: Likely benign for Wilson disease. Last evaluated: 2023-06-07. Review status: criteria provided, single submitter. Criteria: ACMG Guidelines, 2015. Collection method: clinical testing. Allele origin: germline.

GeneDx
Classification: Likely benign. Last evaluated: 2021-03-29. Review status: criteria provided, single submitter. Criteria: GeneDx Variant Classification Process June 2021. Collection method: clinical testing. Allele origin: germline. Affected: yes.

Ambry Genetics
Classification: Likely benign for Inborn genetic diseases. Last evaluated: 2020-02-11. Review status: criteria provided, single submitter. Criteria: Ambry Variant Classification Scheme 2023. Collection method: clinical testing. Allele origin: germline.

NM_000053.4(ATP7B):c.2196C>T (p.Leu732=)

Gene: ATP7B (ATPase copper transporting beta; minus strand). Cytogenetic location: 13q14.3.
Variant type: single nucleotide variant.
Coding change: c.2196C>T on transcript NM_000053.4 (MANE Select); coding-DNA position 2196, C replaced by T.
Protein change: p.Leu732=; no amino-acid change (leucine 732 retained).
Molecular consequence: synonymous variant. On other transcripts: intron variant (2).
Genome position (GRCh38, 1-based): chr13:51,958,470, G>A on the plus strand (C>T on the coding strand, the complement: ATP7B is on the minus strand). VCF-style: chr13-51958470-G-A. GRCh37 (hg19) VCF-style: chr13-52532606-G-A.
Other names: p.Leu732=; c.1863C>T, p.Leu621= (NM_001243182.2); c.1944C>T, p.Leu648= (NM_001330579.2); c.1870-863C>T (NM_001005918.3); c.2122-863C>T (NM_001330578.2).
Identifiers: ClinVar variation 1125626 (VCV001125626.18), dbSNP rs201213995, ClinGen allele CA6989086.